The following is an entry in ClinVar:

ClinVar aggregate classification (germline): Benign. Review status: criteria provided, single submitter (1 of 4 stars). 2 submissions from 2 submitters: Benign (1). 1 of the submissions does not count toward it. Last evaluated 2018-06-15.

Conditions:
Duchenne muscular dystrophy (DMD). Also called: MUSCULAR DYSTROPHY, PSEUDOHYPERTROPHIC PROGRESSIVE, DUCHENNE TYPE; Duchenne Muscular Dystrophy (DMD). Identifiers: Orphanet 98896, MedGen C0013264, MONDO:0010679, OMIM 310200.
Dystrophin deficiency.
Becker muscular dystrophy (BMD). Also called: MUSCULAR DYSTROPHY, PSEUDOHYPERTROPHIC PROGRESSIVE, BECKER TYPE; Becker Muscular Dystrophy (BMD). Identifiers: Orphanet 98895, MedGen C0917713, MONDO:0010311, OMIM 300376.
Cardiomyopathy (CMYO). Also called: Cardiomyopathies. Identifiers: Orphanet 167848, MedGen C0878544, MONDO:0004994, HP:0001638. Inheritance: Various modes of inheritance.

Allele frequency attached by ClinVar (database versions not stated): 1000 Genomes Project 0.22861; 1000 Genomes Project 30x 0.23767; gnomAD 0.29068 and 0.29944; TOPMed 0.30220.
gnomAD v4.1: 32,220 of 111,230 alleles (29%); highest among the groups gnomAD compares: African/African-American, 46%; 4,007 homozygotes.

Submissions (2):

GeneDx
Classification: Benign. Last evaluated: 2018-06-15. Review status: criteria provided, single submitter. Criteria: GeneDx Variant Classification (06012015). Collection method: clinical testing. Allele origin: germline. Affected: yes.
Comment: This variant is considered likely benign or benign based on one or more of the following criteria: it is a conservative change, it occurs at a poorly conserved position in the protein, it is predicted to be benign by multiple in silico algorithms, and/or has population frequency not consistent with disease.

Natera, Inc.
Classification: Benign for Becker muscular dystrophy; Cardiomyopathy; Duchenne muscular dystrophy; Dystrophin deficiency. Last evaluated: 2017-04-20. Review status: no assertion criteria provided. Collection method: clinical testing. Allele origin: germline. Not counted in ClinVar's aggregate classification.

NM_004006.3(DMD):c.9563+1150A>G

Gene: DMD (dystrophin; minus strand). Cytogenetic location: Xp21.2.
Variant type: single nucleotide variant.
Coding change: c.9563+1150A>G on transcript NM_004006.3 (MANE Select); 1150 bases into the intron after coding-DNA position 9563, A replaced by G.
Molecular consequence: intron variant.
Genome position (GRCh38, 1-based): chrX:31,208,348, T>C on the plus strand (A>G on the coding strand, the complement: DMD is on the minus strand). VCF-style: chrX-31208348-T-C. GRCh37 (hg19) VCF-style: chrX-31226465-T-C.
Other names: c.9539+1150A>G (NM_000109.4); c.5540+1150A>G (NM_004011.4); c.5531+1150A>G (NM_004012.4); c.2183+1150A>G (NM_004023.3, NM_004020.4, NM_004022.3 and 2 more transcripts); c.1376+1150A>G (NM_004014.3); c.359+1150A>G (NM_004018.3, NM_004017.3, NM_004016.3 and 2 more transcripts); c.9551+1150A>G (NM_004009.3); c.9194+1150A>G (NM_004010.3).
Identifiers: ClinVar variation 671356 (VCV000671356.2), dbSNP rs10482232, ClinGen allele CA328408073.